The following is an entry in ClinVar:

ClinVar aggregate classification (germline): Conflicting classifications of pathogenicity. Review status: criteria provided, conflicting classifications (1 of 4 stars). 4 submissions from 4 submitters: Pathogenic (2); Likely pathogenic (1); Uncertain significance (1). Last evaluated 2025-03-04.

Conditions:
Familial Monogenic Diabetes (Maturity Onset Diabetes Of The Young 4)/Neonatal Diabetes Mellitus.

Submissions (4):

GeneDx
Classification: Likely pathogenic. Last evaluated: 2025-03-04. Review status: criteria provided, single submitter. Criteria: GeneDx Variant Classification Process June 2021. Collection method: clinical testing. Allele origin: germline. Affected: yes.
Comment: Frameshift variant predicted to result in abnormal protein length as the last 211 amino acid(s) are replaced with 151 different amino acid(s), and other similar variants have been reported in HGMD; Not observed at significant frequency in large population cohorts (gnomAD); This variant is associated with the following publications: (PMID: 34789499, 34556497)

Women's Health and Genetics/Laboratory Corporation of America, LabCorp
Classification: Pathogenic for Familial Monogenic Diabetes (Maturity Onset Diabetes Of The Young 4)/Neonatal Diabetes Mellitus. Last evaluated: 2024-12-17. Review status: criteria provided, single submitter. Criteria: LabCorp Variant Classification Summary - May 2015. Collection method: clinical testing. Allele origin: germline.
Comment: Variant summary: PDX1 c.217dupC (p.Leu73ProfsX152) replaces the last 211 amino acids of the protein with 152 others and results in a premature termination codon, predicted to cause a truncation of the encoded protein or absence of the protein due to nonsense mediated decay, which are commonly known mechanisms for disease. The variant was absent in 142046 control chromosomes (gnomAD). c.217dupC has been reported in the literature in individuals affected with Maturity Onset Diabetes Of The Young (e.g. Wu_2023, Saint-Martin_2022). These data indicate that the variant is likely associated with disease. To our knowledge, no experimental evidence demonstrating an impact on protein function has been reported. The following publications have been ascertained in the context of this evaluation (PMID: 34556497, 37093977). ClinVar contains an entry for this variant (Variation ID: 586034). Based on the evidence outlined above, the variant was classified as pathogenic.

Labcorp Genetics (formerly Invitae), Labcorp
Classification: Uncertain significance. Last evaluated: 2024-09-22. Review status: criteria provided, single submitter. Criteria: Invitae Variant Classification Sherloc (09022015). Collection method: clinical testing. Allele origin: germline.
Comment: This sequence change creates a premature translational stop signal (p.Leu73Profs*152) in the PDX1 gene. While this is not anticipated to result in nonsense mediated decay, it is expected to disrupt the last 211 amino acid(s) of the PDX1 protein. This variant is not present in population databases (gnomAD no frequency). This premature translational stop signal has been observed in individual(s) with clinical features of PDX1-related condition (PMID: 34556497, 34789499). ClinVar contains an entry for this variant (Variation ID: 586034). In summary, the available evidence is currently insufficient to determine the role of this variant in disease. Therefore, it has been classified as a Variant of Uncertain Significance.

Athena Diagnostics
Classification: Pathogenic. Last evaluated: 2017-12-27. Review status: criteria provided, single submitter. Criteria: Athena Diagnostics Criteria. Collection method: clinical testing. Allele origin: germline.

Literature cited by the submitters: PubMed 34556497 (cited by Women's Health and Genetics/Laboratory Corporation of America, LabCorp and Labcorp Genetics (formerly Invitae), Labcorp); PubMed 37093977 (cited by Women's Health and Genetics/Laboratory Corporation of America, LabCorp); PubMed 34789499 (cited by Labcorp Genetics (formerly Invitae), Labcorp).

NM_000209.4(PDX1):c.217dup (p.Leu73fs)

Gene: PDX1 (pancreatic and duodenal homeobox 1; plus strand). Cytogenetic location: 13q12.2.
Variant type: Duplication.
Coding change: c.217dup on transcript NM_000209.4 (MANE Select); coding-DNA position 217, one base duplicated (C; older notation c.217dupC).
Protein change: p.Leu73fs; shifts the reading frame from leucine 73.
Molecular consequence: frameshift variant.
Genome position (GRCh38, 1-based): chr13:27,920,355, C duplicated; the last of 7 consecutive C bases (chr13:27,920,349-27,920,355); duplicating any one gives the same sequence. VCF-style (leftmost placement, unchanged base first): chr13-27920348-G-GC. GRCh37 (hg19) VCF-style: chr13-28494485-G-GC.
Other names: c.217dupC (NM_000209.4, NM_000209.3); short protein forms L73fs.
Identifiers: ClinVar variation 586034 (VCV000586034.6), dbSNP rs1445970498, ClinGen allele CA608987661.
Genomic context (GRCh38, chr13:27,920,348, plus strand): 5'-CCCTGGCGCCCTGGGCGCGCTGGAGCAGGGCAGCCCCCCGGACATCTCCCCGTACGAGGT[G>GC]CCCCCCCTCGCCGACGACCCCGCGGTGGCGCACCTTCACCACCACCTCCCGGCTCAGCTC-3'